The following is an entry in ClinVar:

ClinVar aggregate classification (germline): Pathogenic (1 of 4 stars; one submission).

Submission:

Labcorp Genetics (formerly Invitae), Labcorp
Classification: Pathogenic. Last evaluated: 2025-03-30. Review status: criteria provided, single submitter. Criteria: Invitae Variant Classification Sherloc (09022015). Collection method: clinical testing. Allele origin: germline.
Comment: This sequence change creates a premature translational stop signal (p.Lys117Glnfs*79) in the PRPF31 gene. It is expected to result in an absent or disrupted protein product. Loss-of-function variants in PRPF31 are known to be pathogenic (PMID: 18317597, 23950152). This variant is not present in population databases (gnomAD no frequency). This variant has not been reported in the literature in individuals affected with PRPF31-related conditions. For these reasons, this variant has been classified as Pathogenic.

Literature cited by the submitters: PubMed 18317597; PubMed 23950152.

NM_015629.4(PRPF31):c.349_355del (p.Lys117fs)

Genes: PRPF31 (pre-mRNA processing factor 31; plus strand), PRPF31-AS1 (PRPF31 antisense RNA 1; minus strand). Cytogenetic location: 19q13.42.
Variant type: Deletion.
Coding change: c.349_355del on transcript NM_015629.4 (MANE Select); coding-DNA positions 349 to 355, 7 bases deleted (AAGTACT; older notation c.349_355delAAGTACT).
Protein change: p.Lys117fs; shifts the reading frame from lysine 117.
Molecular consequence: frameshift variant. On other transcripts: non-coding transcript variant (1).
Genome position (GRCh38, 1-based): chr19:54,122,523-54,122,529, AAGTACT deleted; deleting any 7 consecutive bases within chr19:54,122,522-54,122,529 gives the same sequence; the c. name uses the placement nearest the transcript's 3' end. VCF-style (leftmost placement, unchanged base first): chr19-54122521-ATAAGTAC-A. GRCh37 (hg19) VCF-style: chr19-54625900-ATAAGTAC-A.
Other names: short protein forms K117fs.
Identifiers: ClinVar variation 4716376 (VCV004716376.1).